The following is an entry in ClinVar:

ClinVar aggregate classification (germline): Uncertain significance (1 of 4 stars; one submission).

Submission:

Labcorp Genetics (formerly Invitae), Labcorp
Classification: Uncertain significance. Last evaluated: 2022-09-10. Review status: criteria provided, single submitter. Criteria: Invitae Variant Classification Sherloc (09022015). Collection method: clinical testing. Allele origin: germline.
Comment: In summary, the available evidence is currently insufficient to determine the role of this variant in disease. Therefore, it has been classified as a Variant of Uncertain Significance. Advanced modeling of protein sequence and biophysical properties (such as structural, functional, and spatial information, amino acid conservation, physicochemical variation, residue mobility, and thermodynamic stability) performed at Invitae indicates that this missense variant is not expected to disrupt CTNNA1 protein function. ClinVar contains an entry for this variant (Variation ID: 1051608). This variant has not been reported in the literature in individuals affected with CTNNA1-related conditions. This variant is not present in population databases (gnomAD no frequency). This sequence change replaces leucine, which is neutral and non-polar, with tryptophan, which is neutral and slightly polar, at codon 103 of the CTNNA1 protein (p.Leu103Trp).

NM_001903.5(CTNNA1):c.308T>G (p.Leu103Trp)

Gene: CTNNA1 (catenin alpha 1; plus strand). Cytogenetic location: 5q31.2.
Variant type: single nucleotide variant.
Coding change: c.308T>G on transcript NM_001903.5 (MANE Select); coding-DNA position 308, T replaced by G.
Protein change: p.Leu103Trp; replaces leucine 103 with tryptophan.
Molecular consequence: missense variant. On other transcripts: 5 prime UTR variant (1), intron variant (1).
Genome position (GRCh38, 1-based): chr5:138,810,044, T>G. VCF-style: chr5-138810044-T-G. GRCh37 (hg19) VCF-style: chr5-138145733-T-G.
Other names: c.308T>G, p.Leu103Trp (NM_001290307.3, NM_001323982.2, NM_001323983.1 and 3 more transcripts); c.-2T>G (NM_001290309.3); c.-5-57T>G (NM_001290310.3); short protein forms L103W.
Identifiers: ClinVar variation 1051608 (VCV001051608.9), dbSNP rs2149726920, ClinGen allele CA361122780.